The following is an entry in ClinVar:

ClinVar aggregate classification (germline): Likely benign. Review status: criteria provided, single submitter (1 of 4 stars). 2 submissions from 2 submitters: Likely benign (1). 1 of the submissions does not count toward it. Last evaluated 2024-10-08.

Conditions:
KCNA2-related disorder. Also called: KCNA2-related condition.
Developmental and epileptic encephalopathy, 32 (DEE32). Also called: Epileptic encephalopathy, early infantile, 32. Identifiers: Orphanet 442835, MedGen C4225350, MONDO:0014607, OMIM 616366.

Allele frequency attached by ClinVar (database versions not stated): gnomAD 0.00001 and 0.00002; TOPMed 0.00001.
gnomAD v4.1: 3 of 1,614,102 alleles (0.00019%); highest among the groups gnomAD compares: Admixed American, 0.005%; 1 homozygote.

Submissions (2):

Labcorp Genetics (formerly Invitae), Labcorp
Classification: Likely benign for Developmental and epileptic encephalopathy, 32. Last evaluated: 2024-10-08. Review status: criteria provided, single submitter. Criteria: Invitae Variant Classification Sherloc (09022015). Collection method: clinical testing. Allele origin: germline.

PreventionGenetics, part of Exact Sciences
Classification: Likely benign for KCNA2-related condition. Last evaluated: 2023-10-31. Review status: no assertion criteria provided. Collection method: clinical testing. Allele origin: germline. Not counted in ClinVar's aggregate classification.
Comment: This variant is classified as likely benign based on ACMG/AMP sequence variant interpretation guidelines (Richards et al. 2015 PMID: 25741868, with internal and published modifications).

NM_004974.4(KCNA2):c.792C>A (p.Ile264=)

Gene: KCNA2 (potassium voltage-gated channel subfamily A member 2; minus strand). Cytogenetic location: 1p13.3.
Variant type: single nucleotide variant.
Coding change: c.792C>A on transcript NM_004974.4 (MANE Select); coding-DNA position 792, C replaced by A.
Protein change: p.Ile264=; no amino-acid change (isoleucine 264 retained).
Molecular consequence: synonymous variant.
Genome position (GRCh38, 1-based): chr1:110,603,991, G>T on the plus strand (C>A on the coding strand, the complement: KCNA2 is on the minus strand). VCF-style: chr1-110603991-G-T. GRCh37 (hg19) VCF-style: chr1-111146613-G-T.
Other names: c.792C>A, p.Ile264= (NM_001204269.2); c.792C>A (NM_004974.3).
Identifiers: ClinVar variation 1145421 (VCV001145421.11), dbSNP rs200005187, ClinGen allele CA419692219.